The following is an entry in ClinVar:

ClinVar aggregate classification (germline): Likely pathogenic (1 of 4 stars; one submission).

Submission:

Mayo Clinic Laboratories, Mayo Clinic
Classification: Likely pathogenic. Last evaluated: 2022-01-19. Review status: criteria provided, single submitter. Criteria: ACMG Guidelines, 2015. Collection method: clinical testing. Allele origin: germline. Observed: 1 variant allele.
Comment: PM2, PVS1

NM_004999.4(MYO6):c.2417-1G>A

Gene: MYO6 (myosin VI; plus strand). Cytogenetic location: 6q14.1.
Variant type: single nucleotide variant.
Coding change: c.2417-1G>A on transcript NM_004999.4 (MANE Select); the canonical splice acceptor site of the intron before coding-DNA position 2417, G replaced by A.
Molecular consequence: splice acceptor variant.
Genome position (GRCh38, 1-based): chr6:75,886,003, G>A. VCF-style: chr6-75886003-G-A. GRCh37 (hg19) VCF-style: chr6-76595720-G-A.
Other names: c.2417-1G>A (NM_001368865.1, NM_001368866.1, NM_001368137.1 and 2 more transcripts); c.2402-1G>A (NM_001368138.1).
Identifiers: ClinVar variation 2683612 (VCV002683612.1), dbSNP rs2535543723, ClinGen allele CA364774731.